The following is an entry in ClinVar:

ClinVar aggregate classification (germline): Uncertain significance (1 of 4 stars; one submission).

Conditions:
Hereditary cancer-predisposing syndrome. Also called: Hereditary neoplastic syndrome; Tumor predisposition; Hereditary Cancer Syndrome; Neoplastic Syndromes, Hereditary. Identifiers: Orphanet 140162, MedGen C0027672, MeSH D009386, MONDO:0015356.

Submission:

Ambry Genetics
Classification: Uncertain significance for Hereditary cancer-predisposing syndrome. Last evaluated: 2023-09-13. Review status: criteria provided, single submitter. Criteria: Ambry Variant Classification Scheme 2023. Collection method: clinical testing. Allele origin: germline.
Comment: The p.G100E variant (also known as c.299G>A), located in coding exon 3 of the RB1 gene, results from a G to A substitution at nucleotide position 299. The glycine at codon 100 is replaced by glutamic acid, an amino acid with similar properties. This amino acid position is highly conserved in available vertebrate species. In addition, this alteration is predicted to be deleterious by in silico analysis. Since supporting evidence is limited at this time, the clinical significance of this alteration remains unclear.

NM_000321.3(RB1):c.299G>A (p.Gly100Glu)

Gene: RB1 (RB transcriptional corepressor 1; plus strand). Cytogenetic location: 13q14.2.
Variant type: single nucleotide variant.
Coding change: c.299G>A on transcript NM_000321.3 (MANE Select); coding-DNA position 299, G replaced by A.
Protein change: p.Gly100Glu; replaces glycine 100 with glutamic acid.
Molecular consequence: missense variant.
Genome position (GRCh38, 1-based): chr13:48,342,633, G>A. VCF-style: chr13-48342633-G-A. GRCh37 (hg19) VCF-style: chr13-48916769-G-A.
Other names: c.299G>A, p.Gly100Glu (NM_001407165.1, NM_001407166.1); short protein forms G100E.
Identifiers: ClinVar variation 2585733 (VCV002585733.2), dbSNP rs886050268, ClinGen allele CA388252388.